The following is an entry in ClinVar:

ClinVar aggregate classification (germline): Conflicting classifications of pathogenicity. Review status: criteria provided, conflicting classifications (1 of 4 stars). 3 submissions from 3 submitters: Likely pathogenic (1); Uncertain significance (2). Last evaluated 2023-07-07.

Conditions:
Dyskeratosis congenita, autosomal dominant 1 (DKCA1). Also called: Dyskeratosis congenita Scoggins type. Identifiers: Orphanet 1775, MedGen C4551974, MONDO:0007485, OMIM 127550. Inheritance: Variable.

Allele frequency attached by ClinVar (database versions not stated): gnomAD exomes below 0.00001.

Submissions (3):

Labcorp Genetics (formerly Invitae), Labcorp
Classification: Uncertain significance for Dyskeratosis congenita, autosomal dominant 1. Last evaluated: 2023-07-07. Review status: criteria provided, single submitter. Criteria: Invitae Variant Classification Sherloc (09022015). Collection method: clinical testing. Allele origin: germline.
Comment: In summary, the available evidence is currently insufficient to determine the role of this variant in disease. Therefore, it has been classified as a Variant of Uncertain Significance. This variant is located in a region of TERC in which a significant number of disease causing variants have been reported (PMID: 15082312, 21844345, 21931702). These observations suggest that this may be a clinically significant region. This variant is located within the template/pseudoknot domain of the TERC RNA component, which is required for RNA or RNP stability (PMID: 15082312, 21844345). ClinVar contains an entry for this variant (Variation ID: 1336821). This variant has not been reported in the literature in individuals affected with TERC-related conditions. This variant is present in population databases (no rsID available, gnomAD 0.0009%). This variant occurs in the TERC gene, which encodes an RNA molecule that does not result in a protein product.

Blueprint Genetics
Classification: Uncertain significance. Last evaluated: 2021-05-07. Review status: criteria provided, single submitter. Criteria: ACMG Guidelines, 2015. Collection method: clinical testing. Allele origin: germline.

Genetic Services Laboratory, University of Chicago
Classification: Likely pathogenic. Last evaluated: 2021-01-15. Review status: criteria provided, single submitter. Criteria: ACMG Guidelines, 2015. Collection method: clinical testing. Allele origin: germline. Affected: yes.
Comment: DNA sequence analysis of the TERC gene demonstrated a sequence change in exon 1, n.54A>C. This change does not appear to have been previously described in individuals with TERC-related disorders and has been described in the gnomAD database in a single individual with an overall population frequency of 0.0004% (dbSNP rs1288561509). This sequence change affects a nucleotide located in a domain of the telomerase RNA that is known to be functional. This sequence change occurs in a region of the TERC gene where other sequence changes have been described in individuals with TERC-related disorders (PMIDs: 21931702, 12090986). This sequence change is the likely cause of this individuals phenotype; however, functional studies have not been performed to prove this conclusively. This sequence change appears to segregate with disease in several members of one family tested in our laboratory. These collective evidences indicate that this sequence change is likely pathogenic.

Literature cited by the submitters: PubMed 15082312 (cited by Labcorp Genetics (formerly Invitae), Labcorp); PubMed 21844345 (cited by Labcorp Genetics (formerly Invitae), Labcorp); PubMed 21931702 (cited by Labcorp Genetics (formerly Invitae), Labcorp).

NR_001566.3(TERC):n.54A>C

Genes: TERC (telomerase RNA component; minus strand), LOC110806306 (telomerase RNA component (TERC) promoter; plus strand). Cytogenetic location: 3q26.2.
Variant type: single nucleotide variant.
Genome position: GRCh38 VCF-style: chr3-169765007-T-G. GRCh37 (hg19) VCF-style: chr3-169482795-T-G.
Identifiers: ClinVar variation 1336821 (VCV001336821.8), dbSNP rs1288561509, ClinGen allele CA436715941.